The following is an entry in ClinVar:

ClinVar aggregate classification (germline): Likely pathogenic (1 of 4 stars; one submission).

Conditions:
Osteogenesis imperfecta type I (OI1). Also called: Lobstein disease; Osteogenesis imperfecta type 1; Lobstein's Disease; Classic Non-deforming Osteogenesis Imperfecta with Blue Sclerae; OI, TYPE I; OSTEOGENESIS IMPERFECTA TARDA. Identifiers: Orphanet 216796, Orphanet 666, MedGen C0023931, MONDO:0008146, OMIM 166200. Disease mechanism: loss of function.

Submission:

Labcorp Genetics (formerly Invitae), Labcorp
Classification: Likely pathogenic for Osteogenesis imperfecta type I. Last evaluated: 2023-06-03. Review status: criteria provided, single submitter. Criteria: Invitae Variant Classification Sherloc (09022015). Collection method: clinical testing. Allele origin: germline.
Comment: In summary, the currently available evidence indicates that the variant is pathogenic, but additional data are needed to prove that conclusively. Therefore, this variant has been classified as Likely Pathogenic. Algorithms developed to predict the effect of sequence changes on RNA splicing suggest that this variant may disrupt the consensus splice site. ClinVar contains an entry for this variant (Variation ID: 1517373). Disruption of this splice site has been observed in individual(s) with osteogenesis imperfecta (Invitae). This variant is not present in population databases (gnomAD no frequency). This sequence change affects a splice site in intron 6 of the COL1A1 gene. It is expected to disrupt RNA splicing. Variants that disrupt the donor or acceptor splice site typically lead to a loss of protein function (PMID: 16199547), and loss-of-function variants in COL1A1 are known to be pathogenic (PMID: 7942841, 9295084, 9443882).

Literature cited by the submitters: PubMed 16199547; PubMed 7942841; PubMed 9295084; PubMed 9443882.

NM_000088.4(COL1A1):c.544-2del

Gene: COL1A1 (collagen type I alpha 1 chain; minus strand). Cytogenetic location: 17q21.33.
Variant type: Deletion.
Coding change: c.544-2del on transcript NM_000088.4 (MANE Select); the canonical splice acceptor site of the intron before coding-DNA position 544, one base deleted (A; older notation c.544-2delA).
Molecular consequence: splice acceptor variant.
Genome position (GRCh38, 1-based): chr17:50,198,207, T deleted on the plus strand (A on the coding strand, the reverse complement: COL1A1 is on the minus strand). VCF-style (leftmost placement, unchanged base first): chr17-50198206-CT-C. GRCh37 (hg19) VCF-style: chr17-48275567-CT-C.
Identifiers: ClinVar variation 1517373 (VCV001517373.6), dbSNP rs2144587964, ClinGen allele CA2573154232.